The following is an entry in ClinVar:

NM_000642.3(AGL):c.2920C>T (p.Leu974Phe)

Gene: AGL (amylo-alpha-1,6-glucosidase and 4-alpha-glucanotransferase; plus strand). Cytogenetic location: 1p21.2.
Variant type: single nucleotide variant.
Coding change: c.2920C>T on transcript NM_000642.3 (MANE Select); coding-DNA position 2920, C replaced by T.
Protein change: p.Leu974Phe; replaces leucine 974 with phenylalanine.
Molecular consequence: missense variant.
Genome position (GRCh38, 1-based): chr1:99,891,327, C>T. VCF-style: chr1-99891327-C-T. GRCh37 (hg19) VCF-style: chr1-100356883-C-T.
Other names: c.2920C>T, p.Leu974Phe (NM_000028.3, NM_000643.3, NM_000644.3 and 1 more transcripts); c.2872C>T, p.Leu958Phe (NM_000646.3); c.2899C>T, p.Leu967Phe (NM_001425326.1); c.2719C>T, p.Leu907Phe (NM_001425327.1); c.2542C>T, p.Leu848Phe (NM_001425332.1); c.2716C>T, p.Leu906Phe (NM_001425328.1); c.2581C>T, p.Leu861Phe (NM_001425329.1); short protein forms L974F, L958F, L848F, L861F, L906F, L907F, L967F.
Identifiers: ClinVar variation 1991877 (VCV001991877.4), dbSNP rs753852119, ClinGen allele CA966930.

ClinVar aggregate classification (germline): Uncertain significance (1 of 4 stars; one submission).

Conditions:
Glycogen storage disease type III (GSD3). Also called: Cori disease; FORBES DISEASE. Identifiers: Orphanet 366, MedGen C0017922, MONDO:0009291, OMIM 232400.

Allele frequency attached by ClinVar (database versions not stated): ExAC 0.00001; gnomAD exomes 0.00002.
gnomAD v4.1: 9 of 1,613,630 alleles (0.00056%); highest among the groups gnomAD compares: South Asian, 0.0099%; no homozygotes.

Submission:

Labcorp Genetics (formerly Invitae), Labcorp
Classification: Uncertain significance for Glycogen storage disease type III. Last evaluated: 2025-03-17. Review status: criteria provided, single submitter. Criteria: Invitae Variant Classification Sherloc (09022015). Collection method: clinical testing. Allele origin: germline.
Comment: This sequence change replaces leucine, which is neutral and non-polar, with phenylalanine, which is neutral and non-polar, at codon 974 of the AGL protein (p.Leu974Phe). This variant is present in population databases (rs753852119, gnomAD 0.006%). This variant has not been reported in the literature in individuals affected with AGL-related conditions. ClinVar contains an entry for this variant (Variation ID: 1991877). Invitae Evidence Modeling of protein sequence and biophysical properties (such as structural, functional, and spatial information, amino acid conservation, physicochemical variation, residue mobility, and thermodynamic stability) indicates that this missense variant is expected to disrupt AGL protein function with a positive predictive value of 80%. In summary, the available evidence is currently insufficient to determine the role of this variant in disease. Therefore, it has been classified as a Variant of Uncertain Significance.